The following is an entry in ClinVar:

ClinVar aggregate classification (germline): Conflicting classifications of pathogenicity. Review status: criteria provided, conflicting classifications (1 of 4 stars). 2 submissions from 2 submitters: Uncertain significance (1); Likely benign (1). Last evaluated 2024-11-13.

gnomAD v4.1: 105 of 1,612,888 alleles (0.0065%); highest among the groups gnomAD compares: Non-Finnish European, 0.0081%; no homozygotes.

Submissions (2):

Labcorp Genetics (formerly Invitae), Labcorp
Classification: Uncertain significance. Last evaluated: 2024-11-13. Review status: criteria provided, single submitter. Criteria: Invitae Variant Classification Sherloc (09022015). Collection method: clinical testing. Allele origin: germline.
Comment: This sequence change replaces aspartic acid, which is acidic and polar, with asparagine, which is neutral and polar, at codon 514 of the C2 protein (p.Asp514Asn). This variant is present in population databases (rs751852076, gnomAD 0.005%). This variant has not been reported in the literature in individuals affected with C2-related conditions. Invitae Evidence Modeling of protein sequence and biophysical properties (such as structural, functional, and spatial information, amino acid conservation, physicochemical variation, residue mobility, and thermodynamic stability) indicates that this missense variant is not expected to disrupt C2 protein function with a negative predictive value of 80%. In summary, the available evidence is currently insufficient to determine the role of this variant in disease. Therefore, it has been classified as a Variant of Uncertain Significance.

Ambry Genetics
Classification: Likely benign. Last evaluated: 2024-05-30. Review status: criteria provided, single submitter. Criteria: Ambry Variant Classification Scheme 2023. Collection method: clinical testing. Allele origin: germline.

NM_000063.6(C2):c.1540G>A (p.Asp514Asn)

Gene: C2 (complement C2; plus strand). Cytogenetic location: 6p21.33.
Variant type: single nucleotide variant.
Coding change: c.1540G>A on transcript NM_000063.6 (MANE Select); coding-DNA position 1540, G replaced by A.
Protein change: p.Asp514Asn; replaces aspartic acid 514 with asparagine.
Molecular consequence: missense variant.
Genome position (GRCh38, 1-based): chr6:31,943,500, G>A. VCF-style: chr6-31943500-G-A. GRCh37 (hg19) VCF-style: chr6-31911277-G-A.
Other names: c.1144G>A, p.Asp382Asn (NM_001145903.3); c.898G>A, p.Asp300Asn (NM_001178063.3); c.802G>A, p.Asp268Asn (NM_001282457.2); c.1453G>A, p.Asp485Asn (NM_001282458.2); short protein forms D268N, D382N, D485N, D514N, D300N.
Identifiers: ClinVar variation 3262432 (VCV003262432.2).